The following is an entry in ClinVar:

ClinVar aggregate classification (germline): Conflicting classifications of pathogenicity. Review status: criteria provided, conflicting classifications (1 of 4 stars). 2 submissions from 2 submitters: Uncertain significance (1); Likely benign (1). Last evaluated 2026-04-01.

gnomAD v4.1: 232 of 1,613,780 alleles (0.014%); highest among the groups gnomAD compares: South Asian, 0.089%; 1 homozygote.

Submissions (2):

CeGaT Center for Human Genetics Tuebingen
Classification: Likely benign. Last evaluated: 2026-04-01. Review status: criteria provided, single submitter. Criteria: CeGaT Center For Human Genetics Tuebingen Variant Classification Criteria Version 2. Collection method: clinical testing. Allele origin: germline. Affected: yes. Observed: 1 variant allele.
Comment: TENM4: BS1

Ambry Genetics
Classification: Uncertain significance. Last evaluated: 2025-08-20. Review status: criteria provided, single submitter. Criteria: Ambry Variant Classification Scheme 2023. Collection method: clinical testing. Allele origin: germline.

NM_001098816.3(TENM4):c.6502G>A (p.Val2168Ile)

Gene: TENM4 (teneurin transmembrane protein 4; minus strand). Cytogenetic location: 11q14.1.
Variant type: single nucleotide variant.
Coding change: c.6502G>A on transcript NM_001098816.3 (MANE Select); coding-DNA position 6502, G replaced by A.
Protein change: p.Val2168Ile; replaces valine 2168 with isoleucine.
Molecular consequence: missense variant.
Genome position (GRCh38, 1-based): chr11:78,669,843, C>T on the plus strand (G>A on the coding strand, the complement: TENM4 is on the minus strand). VCF-style: chr11-78669843-C-T. GRCh37 (hg19) VCF-style: chr11-78380888-C-T.
Other names: short protein forms V2168I.
Identifiers: ClinVar variation 4182516 (VCV004182516.3).